The following is an entry in ClinVar:

NM_001844.5(COL2A1):c.1688C>T (p.Thr563Ile)

Gene: COL2A1 (collagen type II alpha 1 chain; minus strand). Cytogenetic location: 12q13.11.
Variant type: single nucleotide variant.
Coding change: c.1688C>T on transcript NM_001844.5 (MANE Select); coding-DNA position 1688, C replaced by T.
Protein change: p.Thr563Ile; replaces threonine 563 with isoleucine.
Molecular consequence: missense variant.
Genome position (GRCh38, 1-based): chr12:47,985,580, G>A on the plus strand (C>T on the coding strand, the complement: COL2A1 is on the minus strand). VCF-style: chr12-47985580-G-A. GRCh37 (hg19) VCF-style: chr12-48379363-G-A.
Other names: c.1481C>T, p.Thr494Ile (NM_033150.3); short protein forms T494I, T563I.
Identifiers: ClinVar variation 4882789 (VCV004882789.2).

ClinVar aggregate classification (germline): Uncertain significance (1 of 4 stars; one submission).

Submission:

Dasa
Classification: Uncertain significance. Last evaluated: 2024-03-01. Review status: criteria provided, single submitter. Criteria: DASA Assertion Criteria. Collection method: clinical testing. Allele origin: germline.
Comment: NM_001844.5(COL2A1):c.1688C>T (p.Thr563Ile) is a missense variant that results in the substitution of threonine with isoleucine. This variant is absent from population databases. The currently available literature and clinical evidence are not sufficient to establish a definitive association between this variant and the reported condition. Therefore, this variant is classified as a variant of uncertain significance.